The following is an entry in ClinVar:

ClinVar aggregate classification (germline): Pathogenic (1 of 4 stars; one submission).

Submission:

Labcorp Genetics (formerly Invitae), Labcorp
Classification: Pathogenic. Last evaluated: 2022-10-28. Review status: criteria provided, single submitter. Criteria: Invitae Variant Classification Sherloc (09022015). Collection method: clinical testing. Allele origin: germline.
Comment: This sequence change creates a premature translational stop signal (p.Phe130Leufs*8) in the PROM1 gene. It is expected to result in an absent or disrupted protein product. Loss-of-function variants in PROM1 are known to be pathogenic (PMID: 17605048, 19718270, 24154662, 25474345). This variant is not present in population databases (gnomAD no frequency). This variant has not been reported in the literature in individuals affected with PROM1-related conditions. ClinVar contains an entry for this variant (Variation ID: 1416448). For these reasons, this variant has been classified as Pathogenic.

Literature cited by the submitters: PubMed 17605048; PubMed 19718270; PubMed 24154662; PubMed 25474345.

NM_006017.3(PROM1):c.386dup (p.Phe130fs)

Gene: PROM1 (prominin 1; minus strand). Cytogenetic location: 4p15.32.
Variant type: Duplication.
Coding change: c.386dup on transcript NM_006017.3 (MANE Select); coding-DNA position 386, one base duplicated (T; older notation c.386dupT).
Protein change: p.Phe130fs; shifts the reading frame from phenylalanine 130.
Molecular consequence: frameshift variant.
Genome position (GRCh38, 1-based): chr4:16,033,427, A duplicated on the plus strand (T on the coding strand, the reverse complement: PROM1 is on the minus strand); the first of 3 consecutive A bases (chr4:16,033,427-16,033,429); duplicating any one gives the same sequence. VCF-style (leftmost placement, unchanged base first): chr4-16033426-G-GA. GRCh37 (hg19) VCF-style: chr4-16035049-G-GA.
Other names: c.359dup, p.Phe121fs (NM_001145847.2, NM_001145848.2, NM_001145851.2 and 4 more transcripts); c.386dup, p.Phe130fs (NM_001145849.2, NM_001145850.2); short protein forms F121fs, F130fs.
Identifiers: ClinVar variation 1416448 (VCV001416448.6), dbSNP rs1733210295, ClinGen allele CA2573137638.